The following is an entry in ClinVar:

ClinVar aggregate classification (germline): Uncertain significance (1 of 4 stars; one submission).

Conditions:
PIK3CA-related disorder. Also called: PIK3CA-related disorders; PIK3CA- related disease; PIK3CA-related condition.

Submission:

PreventionGenetics, part of Exact Sciences
Classification: Uncertain significance for PIK3CA-related condition. Last evaluated: 2023-09-05. Review status: criteria provided, single submitter. Criteria: ACMG Guidelines, 2015. Collection method: clinical testing. Allele origin: germline.
Comment: The PIK3CA c.3050A>T variant is predicted to result in the amino acid substitution p.Asp1017Val. To our knowledge, this variant has not been reported in the literature or in a large population database, indicating this variant is rare. At this time, the clinical significance of this variant is uncertain due to the absence of conclusive functional and genetic evidence.

NM_006218.4(PIK3CA):c.3050A>T (p.Asp1017Val)

Gene: PIK3CA (phosphatidylinositol-4,5-bisphosphate 3-kinase catalytic subunit alpha; plus strand). Cytogenetic location: 3q26.32.
Variant type: single nucleotide variant.
Coding change: c.3050A>T on transcript NM_006218.4 (MANE Select); coding-DNA position 3050, A replaced by T.
Protein change: p.Asp1017Val; replaces aspartic acid 1017 with valine.
Molecular consequence: missense variant.
Genome position (GRCh38, 1-based): chr3:179,234,207, A>T. VCF-style: chr3-179234207-A-T. GRCh37 (hg19) VCF-style: chr3-178951995-A-T.
Other names: short protein forms D1017V.
Identifiers: ClinVar variation 2630970 (VCV002630970.1), dbSNP rs2108429450, ClinGen allele CA355285307.
Genomic context (GRCh38, chr3:179,234,207, plus strand): 5'-TCTTCATAAATCTTTTCTCAATGATGCTTGGCTCTGGAATGCCAGAACTACAATCTTTTG[A>T]TGACATTGCATACATTCGAAAGACCCTAGCCTTAGATAAAACTGAGCAAGAGGCTTTGGA-3'
Protein context (NP_006209.2, residues 1007-1027): GSGMPELQSF[Asp1017Val]DIAYIRKTLA